The following is an entry in ClinVar:

NC_000023.10:g.(?_152966392)_(152966450_?)del

Gene: BCAP31 (B cell receptor associated protein 31; minus strand). Cytogenetic location: Xq28.
Variant type: Deletion.
Identifiers: ClinVar variation 2423823 (VCV002423823.4).

ClinVar aggregate classification (germline): Uncertain significance (1 of 4 stars; one submission).

Submission:

Labcorp Genetics (formerly Invitae), Labcorp
Classification: Uncertain significance. Last evaluated: 2023-12-06. Review status: criteria provided, single submitter. Criteria: Invitae Variant Classification Sherloc (09022015). Collection method: clinical testing. Allele origin: germline.
Comment: This variant is a gross deletion of the genomic region encompassing exon(s) 8 of the BCAP31 gene, which includes the termination codon. This deletion extends beyond the assayed region for this gene and therefore may encompass additional genes. While this deletion is not anticipated to lead to nonsense mediated decay, it is expected to alter mRNA translation or result in a truncated protein product. This variant has not been reported in the literature in individuals affected with BCAP31-related conditions. Experimental studies and prediction algorithms are not available or were not evaluated, and the functional significance of this variant is currently unknown. In summary, the available evidence is currently insufficient to determine the role of this variant in disease. Therefore, it has been classified as a Variant of Uncertain Significance.